The following is an entry in ClinVar:

ClinVar aggregate classification (germline): Uncertain significance (1 of 4 stars; one submission).

Conditions:
Bloom syndrome (BLM). Also called: Bloom-Torre-Machacek syndrome. Identifiers: Orphanet 125, MedGen C0005859, MONDO:0008876, OMIM 210900.

Submission:

Labcorp Genetics (formerly Invitae), Labcorp
Classification: Uncertain significance for Bloom syndrome. Last evaluated: 2022-11-02. Review status: criteria provided, single submitter. Criteria: Invitae Variant Classification Sherloc (09022015). Collection method: clinical testing. Allele origin: germline.
Comment: In summary, the available evidence is currently insufficient to determine the role of this variant in disease. Therefore, it has been classified as a Variant of Uncertain Significance. Algorithms developed to predict the effect of sequence changes on RNA splicing suggest that this variant may create or strengthen a splice site. This variant has not been reported in the literature in individuals affected with BLM-related conditions. This variant is not present in population databases (gnomAD no frequency). This sequence change affects codon 665 of the BLM mRNA. It is a 'silent' change, meaning that it does not change the encoded amino acid sequence of the BLM protein.

NM_000057.4(BLM):c.1995G>T (p.Leu665=)

Gene: BLM (BLM RecQ like helicase; plus strand). Cytogenetic location: 15q26.1.
Variant type: single nucleotide variant.
Coding change: c.1995G>T on transcript NM_000057.4 (MANE Select); coding-DNA position 1995, G replaced by T.
Protein change: p.Leu665=; no amino-acid change (leucine 665 retained).
Molecular consequence: synonymous variant.
Genome position (GRCh38, 1-based): chr15:90,763,078, G>T. VCF-style: chr15-90763078-G-T. GRCh37 (hg19) VCF-style: chr15-91306308-G-T.
Other names: c.1995G>T, p.Leu665= (NM_001287246.2, NM_001287247.2); c.870G>T, p.Leu290= (NM_001287248.2).
Identifiers: ClinVar variation 2811582 (VCV002811582.3), dbSNP rs2151160697, ClinGen allele CA492158528.
Genomic context (GRCh38, chr15:90,763,078, plus strand): 5'-AAGTCTTAGTTTTCCTCATACAAAGGAAATGATGAAGATTTTTCATAAAAAATTTGGCCT[G>T]CATAATTTTAGAACTAATCAGCTAGAGGCGATCAATGCTGCACTGCTTGGTGAAGACTGT-3'
Protein context (NP_000048.1, residues 655-675): MMKIFHKKFG[Leu665=]HNFRTNQLEA